The following is an entry in ClinVar:

NM_005585.5(SMAD6):c.789del (p.Tyr264fs)

Gene: SMAD6 (SMAD family member 6; plus strand). Cytogenetic location: 15q22.31.
Variant type: Deletion.
Coding change: c.789del on transcript NM_005585.5 (MANE Select); coding-DNA position 789, one base deleted (C; older notation c.789delC).
Protein change: p.Tyr264fs; shifts the reading frame from tyrosine 264.
Molecular consequence: frameshift variant. On other transcripts: non-coding transcript variant (1).
Genome position (GRCh38, 1-based): chr15:66,704,047, C deleted; the last of 4 consecutive C bases (chr15:66,704,044-66,704,047); deleting any one gives the same sequence. VCF-style (leftmost placement, unchanged base first): chr15-66704043-AC-A. GRCh37 (hg19) VCF-style: chr15-66996381-AC-A.
Other names: short protein forms Y264fs.
Identifiers: ClinVar variation 3235901 (VCV003235901.11), dbSNP rs1567092048, ClinGen allele CA919578966.

ClinVar aggregate classification (germline): Pathogenic/Likely pathogenic. Review status: criteria provided, multiple submitters, no conflicts (2 of 4 stars). 2 submissions from 2 submitters: Pathogenic (1); Likely pathogenic (1). Last evaluated 2025-05-01.

Conditions:
Aortic valve disease 2 (AOVD2). Identifiers: MedGen C3542024, MONDO:0013902, OMIM 614823.

Submissions (2):

CeGaT Center for Human Genetics Tuebingen
Classification: Pathogenic. Last evaluated: 2025-05-01. Review status: criteria provided, single submitter. Criteria: CeGaT Center For Human Genetics Tuebingen Variant Classification Criteria Version 2. Collection method: clinical testing. Allele origin: germline. Affected: yes. Observed: 1 variant allele.
Comment: SMAD6: PVS1, PM2

New York Genome Center
Classification: Likely pathogenic for Aortic valve disease 2. Last evaluated: 2021-11-04. Review status: criteria provided, single submitter. Criteria: NYGC Assertion Criteria 2020. Collection method: clinical testing. Allele origin: inherited. Observed: 1 heterozygote. Study: PrenatalSEQ.
Comment: This is predicted to lead to a shift in reading frame resulting in non- canonical amino acid sequences downstream of the variant, loss of the canonical stop codon, and a C-terminally elongated protein extended by approximately 42 amino acids. The frameshift occurs within the N-terminal MH1 domain of SMAD6 and is predicted to lead to the loss of the highly conserved MH2 domain. This variant is absent in gnomAD(v3.1.2) and gnomAD(v2.1.1) suggesting it is not a common benign variant in the populations represented in that database. This variant is absent from ClinVar. While the p.Tyr264ThrfsTer275 variant identified here has not been reported in the literature, a variant in the adjacent amino acid with similar predicted consequence to the canonical transcript (p.His265ProfsTer274) has been reported in a family with bicuspid aortic valve and thoracic- abdominal aneurysm, where it segregated with disease in two generations [PMID:30796334]. Additional nonsense and frameshift variants downstream of the one identified here have also been identified in many individuals with SMAD6 associated phenotypes [PMID:31138930, 28659821, 27606499, 32499606, others]. Given its deleterious nature, absence in population databases, and presence of many downstream nonsense, frameshift, and missense variants reported in the literature, the inherited c.789del (p.Tyr264ThrfsTer275) variant identified in the SMAD6 gene is reported here as Likely Pathogenic.